The following is an entry in ClinVar:

ClinVar aggregate classification (germline): Uncertain significance (1 of 4 stars; one submission).

Conditions:
Neuronal ceroid lipofuscinosis. Also called: Neuronal Ceroid Lipofuscinoses. Identifiers: Orphanet 216, Orphanet 79263, MedGen C0027877, MONDO:0016295. Disease mechanism: loss of function.

Submission:

Labcorp Genetics (formerly Invitae), Labcorp
Classification: Uncertain significance for Neuronal ceroid lipofuscinosis. Last evaluated: 2024-05-15. Review status: criteria provided, single submitter. Criteria: Invitae Variant Classification Sherloc (09022015). Collection method: clinical testing. Allele origin: germline.
Comment: This sequence change replaces lysine, which is basic and polar, with arginine, which is basic and polar, at codon 222 of the CTSD protein (p.Lys222Arg). This variant is not present in population databases (gnomAD no frequency). This variant has not been reported in the literature in individuals affected with CTSD-related conditions. ClinVar contains an entry for this variant (Variation ID: 864333). Advanced modeling of protein sequence and biophysical properties (such as structural, functional, and spatial information, amino acid conservation, physicochemical variation, residue mobility, and thermodynamic stability) performed at Invitae indicates that this missense variant is not expected to disrupt CTSD protein function with a negative predictive value of 80%. In summary, the available evidence is currently insufficient to determine the role of this variant in disease. Therefore, it has been classified as a Variant of Uncertain Significance.

NM_001909.5(CTSD):c.665A>G (p.Lys222Arg)

Gene: CTSD (cathepsin D; minus strand). Cytogenetic location: 11p15.5.
Variant type: single nucleotide variant.
Coding change: c.665A>G on transcript NM_001909.5 (MANE Select); coding-DNA position 665, A replaced by G.
Protein change: p.Lys222Arg; replaces lysine 222 with arginine.
Molecular consequence: missense variant.
Genome position (GRCh38, 1-based): chr11:1,757,363, T>C on the plus strand (A>G on the coding strand, the complement: CTSD is on the minus strand). VCF-style: chr11-1757363-T-C. GRCh37 (hg19) VCF-style: chr11-1778593-T-C.
Other names: short protein forms K222R.
Identifiers: ClinVar variation 864333 (VCV000864333.8), dbSNP rs1845822086, ClinGen allele CA379095901.
Genomic context (GRCh38, chr11:1,757,363, plus strand): 5'-AGAGGGAACCCACACGCCCACCTGCTCAGGTAGAAGGAGAAGATGTTCTGGTCCACCAGC[T>C]TCTGCTGCATCAGGTTGTCGAAGACGGGCAGCACGTTGTTGACGGAGATGCGGGGGTAGG-3'
Protein context (NP_001900.1, residues 212-232): LPVFDNLMQQ[Lys222Arg]LVDQNIFSFY